The following is an entry in ClinVar:

NM_004733.4(SLC33A1):c.769C>G (p.Leu257Val)

Gene: SLC33A1 (solute carrier family 33 member 1; minus strand). Cytogenetic location: 3q25.31.
Variant type: single nucleotide variant.
Coding change: c.769C>G on transcript NM_004733.4 (MANE Select); coding-DNA position 769, C replaced by G.
Protein change: p.Leu257Val; replaces leucine 257 with valine.
Molecular consequence: missense variant.
Genome position (GRCh38, 1-based): chr3:155,853,229, G>C on the plus strand (C>G on the coding strand, the complement: SLC33A1 is on the minus strand). VCF-style: chr3-155853229-G-C. GRCh37 (hg19) VCF-style: chr3-155571018-G-C.
Other names: c.769C>G, p.Leu257Val (NM_001190992.2, NM_001363883.1); short protein forms L257V.
Identifiers: ClinVar variation 4983319 (VCV004983319.1).

ClinVar aggregate classification (germline): Uncertain significance (1 of 4 stars; one submission).

Conditions:
SLC33A1-related disorder. Also called: SLC33A1-related condition.

Submission:

PreventionGenetics, part of Exact Sciences
Classification: Uncertain significance for SLC33A1-related condition. Last evaluated: 2026-06-03. Review status: criteria provided, single submitter. Criteria: ACMG Guidelines, 2015. Collection method: clinical testing. Allele origin: germline.
Comment: The SLC33A1 c.769C>G variant is predicted to result in the amino acid substitution p.Leu257Val. To our knowledge, this variant has not been reported in the literature or in a large population database (gnomAD), indicating this variant is rare. At this time, the clinical significance of this variant is uncertain due to the absence of conclusive functional and genetic evidence.